The following is an entry in ClinVar:

NM_000883.4(IMPDH1):c.352A>G (p.Asn118Asp)

Gene: IMPDH1 (inosine monophosphate dehydrogenase 1; minus strand). Cytogenetic location: 7q32.1.
Variant type: single nucleotide variant.
Coding change: c.352A>G on transcript NM_000883.4 (MANE Select); coding-DNA position 352, A replaced by G.
Protein change: p.Asn118Asp; replaces asparagine 118 with aspartic acid.
Molecular consequence: missense variant. On other transcripts: intron variant (2).
Genome position (GRCh38, 1-based): chr7:128,405,768, T>C on the plus strand (A>G on the coding strand, the complement: IMPDH1 is on the minus strand). VCF-style: chr7-128405768-T-C. GRCh37 (hg19) VCF-style: chr7-128045822-T-C.
Other names: c.322A>G, p.Asn108Asp (NM_001102605.2); c.97A>G, p.Asn33Asp (NM_001142573.2, NM_001142574.2, NM_001142575.2); c.244A>G, p.Asn82Asp (NM_183243.3); c.147-2014A>G (NM_001304521.2); c.255-2014A>G (NM_001142576.2); short protein forms N108D, N118D, N33D, N82D.
Identifiers: ClinVar variation 1721977 (VCV001721977.5), dbSNP rs1302110722, ClinGen allele CA369177940.
Genomic context (GRCh38, chr7:128,405,768, plus strand): 5'-GGCCCGGGGGTCGCGGCGCGTGGATGCGCGCACCTAGGGGTACGAGACCCGGCGCTTACT[T>C]GTAGGTGAGGCCGTCGGCGCTGGCGAAGAGCTGCTGCGCGGTGAGCCCATCCTCGGGCAC-3'
Protein context (NP_000874.2, residues 108-128): LFASADGLTY[Asn118Asp]DFLILPGFID

ClinVar aggregate classification (germline): Uncertain significance (1 of 4 stars; one submission).

Allele frequency attached by ClinVar (database versions not stated): gnomAD exomes 0.00001.
gnomAD v4.1: 9 of 1,536,968 alleles (0.00059%); highest among the groups gnomAD compares: Non-Finnish European, 0.0007%; no homozygotes.

Submission:

Labcorp Genetics (formerly Invitae), Labcorp
Classification: Uncertain significance. Last evaluated: 2022-10-21. Review status: criteria provided, single submitter. Criteria: Invitae Variant Classification Sherloc (09022015). Collection method: clinical testing. Allele origin: germline.
Comment: This variant has not been reported in the literature in individuals affected with IMPDH1-related conditions. The frequency data for this variant in the population databases is considered unreliable, as metrics indicate poor data quality at this position in the gnomAD database. This sequence change replaces asparagine, which is neutral and polar, with aspartic acid, which is acidic and polar, at codon 118 of the IMPDH1 protein (p.Asn118Asp). Algorithms developed to predict the effect of missense changes on protein structure and function are either unavailable or do not agree on the potential impact of this missense change (SIFT: "Deleterious"; PolyPhen-2: "Benign"; Align-GVGD: "Class C0"). In summary, the available evidence is currently insufficient to determine the role of this variant in disease. Therefore, it has been classified as a Variant of Uncertain Significance. Algorithms developed to predict the effect of sequence changes on RNA splicing suggest that this variant may create or strengthen a splice site.